The following is an entry in ClinVar:

NM_004667.6(HERC2):c.12078C>T (p.Ser4026=)

Gene: HERC2 (HECT and RLD domain containing E3 ubiquitin protein ligase 2; minus strand). Cytogenetic location: 15q13.1.
Variant type: single nucleotide variant.
Coding change: c.12078C>T on transcript NM_004667.6 (MANE Select); coding-DNA position 12078, C replaced by T.
Protein change: p.Ser4026=; no amino-acid change (serine 4026 retained).
Molecular consequence: synonymous variant.
Genome position (GRCh38, 1-based): chr15:28,135,630, G>A on the plus strand (C>T on the coding strand, the complement: HERC2 is on the minus strand). VCF-style: chr15-28135630-G-A. GRCh37 (hg19) VCF-style: chr15-28380776-G-A.
Identifiers: ClinVar variation 4084117 (VCV004084117.8).

ClinVar aggregate classification (germline): Likely benign (1 of 4 stars; one submission).

gnomAD v4.1: 314 of 1,613,968 alleles (0.019%); highest among the groups gnomAD compares: African/African-American, 0.36%; no homozygotes.

Submission:

CeGaT Center for Human Genetics Tuebingen
Classification: Likely benign. Last evaluated: 2026-07-01. Review status: criteria provided, single submitter. Criteria: CeGaT Center For Human Genetics Tuebingen Variant Classification Criteria Version 2. Collection method: clinical testing. Allele origin: germline. Affected: yes. Observed: 2 variant alleles.
Comment: HERC2: BP4, BP7